The following is an entry in ClinVar:

NM_000048.4(ASL):c.1135C>G (p.Arg379Gly)

Gene: ASL (argininosuccinate lyase; plus strand). Cytogenetic location: 7q11.21.
Variant type: single nucleotide variant.
Coding change: c.1135C>G on transcript NM_000048.4 (MANE Select); coding-DNA position 1135, C replaced by G.
Protein change: p.Arg379Gly; replaces arginine 379 with glycine.
Molecular consequence: missense variant.
Genome position (GRCh38, 1-based): chr7:66,092,078, C>G. VCF-style: chr7-66092078-C-G. GRCh37 (hg19) VCF-style: chr7-65557065-C-G.
Other names: c.1135C>G, p.Arg379Gly (NM_001024943.2); c.1075C>G, p.Arg359Gly (NM_001024944.2); c.1057C>G, p.Arg353Gly (NM_001024946.2); short protein forms R379G, R353G, R359G.
Identifiers: ClinVar variation 2196834 (VCV002196834.8), dbSNP rs28940287, ClinGen allele CA4277303.

ClinVar aggregate classification (germline): Likely pathogenic. Review status: criteria provided, multiple submitters, no conflicts (2 of 4 stars). 4 submissions from 4 submitters: Likely pathogenic (4). Last evaluated 2026-01-20.

Conditions:
Argininosuccinate lyase deficiency. Also called: Argininosuccinic aciduria; ARGININOSUCCINIC ACID LYASE DEFICIENCY; ASL DEFICIENCY. Identifiers: Orphanet 23, MedGen C0268547, MONDO:0008815, OMIM 207900, HP:0025630.

Submissions (4):

Labcorp Genetics (formerly Invitae), Labcorp
Classification: Likely pathogenic for Argininosuccinate lyase deficiency. Last evaluated: 2026-01-20. Review status: criteria provided, single submitter. Criteria: Invitae Variant Classification Sherloc (09022015). Collection method: clinical testing. Allele origin: germline.
Comment: This sequence change replaces arginine, which is basic and polar, with glycine, which is neutral and non-polar, at codon 379 of the ASL protein (p.Arg379Gly). This variant is present in population databases (rs28940287, gnomAD 0.0009%). This missense change has been observed in individual(s) with clinical features consistent with argininosuccinate lyase deficiency (PMID: 31130284). This variant is also known as c.1075C>G; p.Arg359Gly. ClinVar contains an entry for this variant (Variation ID: 2196834). Invitae Evidence Modeling of protein sequence and biophysical properties (such as structural, functional, and spatial information, amino acid conservation, physicochemical variation, residue mobility, and thermodynamic stability) indicates that this missense variant is expected to disrupt ASL protein function with a positive predictive value of 80%. This variant disrupts the p.Arg379 amino acid residue in ASL. Other variant(s) that disrupt this residue have been determined to be pathogenic (PMID: 12408190, 20236848, 21667091, 25778938, 27515243). This suggests that this residue is clinically significant, and that variants that disrupt this residue are likely to be disease-causing. In summary, the currently available evidence indicates that the variant is pathogenic, but additional data are needed to prove that conclusively. Therefore, this variant has been classified as Likely Pathogenic.

Genomic Medicine Center of Excellence, King Faisal Specialist Hospital and Research Centre
Classification: Likely pathogenic for Argininosuccinate lyase deficiency. Last evaluated: 2024-03-17. Review status: criteria provided, single submitter. Criteria: ACMG Guidelines, 2015. Collection method: research. Allele origin: germline.

Fulgent Genetics
Classification: Likely pathogenic for Argininosuccinate lyase deficiency. Last evaluated: 2024-03-13. Review status: criteria provided, single submitter. Criteria: ACMG Guidelines, 2015. Collection method: clinical testing. Allele origin: germline.

Department of Pathology and Laboratory Medicine, Sinai Health System
Classification: Likely pathogenic for Argininosuccinate lyase deficiency. Last evaluated: 2023-04-04. Review status: criteria provided, single submitter. Criteria: ACMG Guidelines, 2015. Collection method: research. Allele origin: germline.

Literature cited by the submitters: PubMed 31130284 (cited by Labcorp Genetics (formerly Invitae), Labcorp); PubMed 12408190 (cited by Labcorp Genetics (formerly Invitae), Labcorp); PubMed 20236848 (cited by Labcorp Genetics (formerly Invitae), Labcorp); PubMed 21667091 (cited by Labcorp Genetics (formerly Invitae), Labcorp); PubMed 25778938 (cited by Labcorp Genetics (formerly Invitae), Labcorp); PubMed 27515243 (cited by Labcorp Genetics (formerly Invitae), Labcorp).